The following is an entry in ClinVar:

ClinVar aggregate classification (germline): Likely benign. Review status: criteria provided, single submitter (1 of 4 stars). 2 submissions from 2 submitters: Likely benign (1). 1 of the submissions does not count toward it. Last evaluated 2024-02-16.

Conditions:
GORAB-related disorder. Also called: GORAB-related condition.

Submissions (2):

Labcorp Genetics (formerly Invitae), Labcorp
Classification: Likely benign. Last evaluated: 2024-02-16. Review status: criteria provided, single submitter. Criteria: Invitae Variant Classification Sherloc (09022015). Collection method: clinical testing. Allele origin: germline.

PreventionGenetics, part of Exact Sciences
Classification: Likely benign for GORAB-related condition. Last evaluated: 2019-08-27. Review status: no assertion criteria provided. Collection method: clinical testing. Allele origin: germline. Not counted in ClinVar's aggregate classification.
Comment: This variant is classified as likely benign based on ACMG/AMP sequence variant interpretation guidelines (Richards et al. 2015 PMID: 25741868, with internal and published modifications).

NM_152281.3(GORAB):c.381A>G (p.Pro127=)

Gene: GORAB (golgin, RAB6 interacting; plus strand). Cytogenetic location: 1q24.2.
Variant type: single nucleotide variant.
Coding change: c.381A>G on transcript NM_152281.3 (MANE Select); coding-DNA position 381, A replaced by G.
Protein change: p.Pro127=; no amino-acid change (proline 127 retained).
Molecular consequence: synonymous variant. On other transcripts: 5 prime UTR variant (1), non-coding transcript variant (1).
Genome position (GRCh38, 1-based): chr1:170,539,529, A>G. VCF-style: chr1-170539529-A-G. GRCh37 (hg19) VCF-style: chr1-170508670-A-G.
Other names: c.381A>G, p.Pro127= (NM_001146039.2); c.-85A>G (NM_001320252.2); c.330A>G, p.Pro110= (NM_001410894.1).
Identifiers: ClinVar variation 3357947 (VCV003357947.3).